The following is an entry in ClinVar:

NM_001206927.2(DNAH8):c.13333A>G (p.Met4445Val)

Gene: DNAH8 (dynein axonemal heavy chain 8; plus strand). Cytogenetic location: 6p21.2.
Variant type: single nucleotide variant.
Coding change: c.13333A>G on transcript NM_001206927.2 (MANE Select); coding-DNA position 13333, A replaced by G.
Protein change: p.Met4445Val; replaces methionine 4445 with valine.
Molecular consequence: missense variant.
Genome position (GRCh38, 1-based): chr6:39,008,932, A>G. VCF-style: chr6-39008932-A-G. GRCh37 (hg19) VCF-style: chr6-38976708-A-G.
Other names: c.12682A>G, p.Met4228Val (NM_001371.4); short protein forms M4228V, M4445V.
Identifiers: ClinVar variation 850868 (VCV000850868.10), dbSNP rs1459751204, ClinGen allele CA364020516.

ClinVar aggregate classification (germline): Uncertain significance. Review status: criteria provided, multiple submitters, no conflicts (2 of 4 stars). 2 submissions from 2 submitters: Uncertain significance (2). Last evaluated 2025-11-05.

Conditions:
Primary ciliary dyskinesia. Also called: Ciliary dyskinesia. Identifiers: Orphanet 244, MedGen C0008780, MONDO:0016575, HP:0012265.

Allele frequency attached by ClinVar (database versions not stated): gnomAD exomes below 0.00001 and 0.00001; TOPMed below 0.00001.
gnomAD v4.1: 6 of 1,611,886 alleles (0.00037%); highest among the groups gnomAD compares: Admixed American, 0.005%; no homozygotes.

Submissions (2):

Ambry Genetics
Classification: Uncertain significance. Last evaluated: 2025-11-05. Review status: criteria provided, single submitter. Criteria: Ambry Variant Classification Scheme 2023. Collection method: clinical testing. Allele origin: germline.

Labcorp Genetics (formerly Invitae), Labcorp
Classification: Uncertain significance for Primary ciliary dyskinesia. Last evaluated: 2025-03-07. Review status: criteria provided, single submitter. Criteria: Invitae Variant Classification Sherloc (09022015). Collection method: clinical testing. Allele origin: germline.
Comment: This sequence change replaces methionine, which is neutral and non-polar, with valine, which is neutral and non-polar, at codon 4445 of the DNAH8 protein (p.Met4445Val). This variant is present in population databases (no rsID available, gnomAD 0.006%). This variant has not been reported in the literature in individuals affected with DNAH8-related conditions. ClinVar contains an entry for this variant (Variation ID: 850868). Invitae Evidence Modeling of protein sequence and biophysical properties (such as structural, functional, and spatial information, amino acid conservation, physicochemical variation, residue mobility, and thermodynamic stability) has been performed for this missense variant. However, the output from this modeling did not meet the statistical confidence thresholds required to predict the impact of this variant on DNAH8 protein function. In summary, the available evidence is currently insufficient to determine the role of this variant in disease. Therefore, it has been classified as a Variant of Uncertain Significance.